The following is an entry in ClinVar:

NM_000304.4(PMP22):c.236C>T (p.Ser79Phe)

Gene: PMP22 (peripheral myelin protein 22; minus strand). Cytogenetic location: 17p12.
Variant type: single nucleotide variant.
Coding change: c.236C>T on transcript NM_000304.4 (MANE Select); coding-DNA position 236, C replaced by T.
Protein change: p.Ser79Phe; replaces serine 79 with phenylalanine.
Molecular consequence: missense variant. On other transcripts: non-coding transcript variant (2).
Genome position (GRCh38, 1-based): chr17:15,239,554, G>A on the plus strand (C>T on the coding strand, the complement: PMP22 is on the minus strand). VCF-style: chr17-15239554-G-A. GRCh37 (hg19) VCF-style: chr17-15142871-G-A.
Other names: c.236C>T, p.Ser79Phe (NM_001281455.2, NM_001281456.2, NM_001330143.2 and 2 more transcripts); short protein forms S79F.
Identifiers: ClinVar variation 1072721 (VCV001072721.5), dbSNP rs104894618, ClinGen allele CA398268094.

ClinVar aggregate classification (germline): Pathogenic (1 of 4 stars; one submission).

Conditions:
Charcot-Marie-Tooth disease, type I (CMT1). Also called: Charcot-Marie-Tooth disease type 1; Charcot-Marie-Tooth, Type 1. Identifiers: Orphanet 65753, MedGen C0751036, MONDO:0019011.

Submission:

Labcorp Genetics (formerly Invitae), Labcorp
Classification: Pathogenic for Charcot-Marie-Tooth disease, type I. Last evaluated: 2022-05-18. Review status: criteria provided, single submitter. Criteria: Invitae Variant Classification Sherloc (09022015). Collection method: clinical testing. Allele origin: germline.
Comment: This sequence change replaces serine, which is neutral and polar, with phenylalanine, which is neutral and non-polar, at codon 79 of the PMP22 protein (p.Ser79Phe). This variant is not present in population databases (gnomAD no frequency). This missense change has been observed in individual(s) with clinical features of Charcot-Marie-Tooth disease (Invitae). In at least one individual the variant was observed to be de novo. ClinVar contains an entry for this variant (Variation ID: 1072721). Advanced modeling of protein sequence and biophysical properties (such as structural, functional, and spatial information, amino acid conservation, physicochemical variation, residue mobility, and thermodynamic stability) performed at Invitae indicates that this missense variant is expected to disrupt PMP22 protein function. This variant disrupts the p.Ser79 amino acid residue in PMP22. Other variant(s) that disrupt this residue have been observed in individuals with PMP22-related conditions (PMID: 8510709, 9452053, 22006697), which suggests that this may be a clinically significant amino acid residue. For these reasons, this variant has been classified as Pathogenic.

Literature cited by the submitters: PubMed 8510709; PubMed 9452053; PubMed 22006697.